The following is an entry in ClinVar:

NM_018100.4(EFHC1):c.1058G>A (p.Arg353Gln)

Gene: EFHC1 (EF-hand domain containing 1; plus strand). Cytogenetic location: 6p12.2.
Variant type: single nucleotide variant.
Coding change: c.1058G>A on transcript NM_018100.4 (MANE Select); coding-DNA position 1058, G replaced by A.
Protein change: p.Arg353Gln; replaces arginine 353 with glutamine.
Molecular consequence: missense variant. On other transcripts: non-coding transcript variant (1).
Genome position (GRCh38, 1-based): chr6:52,465,036, G>A. VCF-style: chr6-52465036-G-A. GRCh37 (hg19) VCF-style: chr6-52329834-G-A.
Other names: p.R353Q:CGG>CAG; c.1001G>A, p.Arg334Gln (NM_001172420.2); short protein forms R353Q, R334Q.
Identifiers: ClinVar variation 205402 (VCV000205402.18), dbSNP rs377732929, ClinGen allele CA314438.

ClinVar aggregate classification (germline): Conflicting classifications of pathogenicity. Review status: criteria provided, conflicting classifications (1 of 4 stars). 4 submissions from 4 submitters: Uncertain significance (2); Benign (1). 1 of the submissions does not count toward it. Last evaluated 2022-11-22.

Conditions:
EFHC1-related disorder. Also called: EFHC1-related condition.
Myoclonic epilepsy, juvenile, susceptibility to, 1. Also called: Myoclonic Epilepsy, Juvenile, 1; EJM1. Identifiers: MedGen C1850778, MONDO:0020752, OMIM 254770.
Absence seizure. Also called: Absence epilepsy. Identifiers: Orphanet 1941, MedGen C0014553.

Allele frequency attached by ClinVar (database versions not stated): TOPMed 0.00007; gnomAD 0.00008 and 0.00011; 1000 Genomes Project 30x 0.00031; 1000 Genomes Project 0.00040.
gnomAD v4.1: 85 of 1,614,022 alleles (0.0053%); highest among the groups gnomAD compares: East Asian, 0.12%; 1 homozygote.

Submissions (4):

Labcorp Genetics (formerly Invitae), Labcorp
Classification: Benign for Myoclonic epilepsy, juvenile, susceptibility to, 1; Absence seizure. Last evaluated: 2022-11-22. Review status: criteria provided, single submitter. Criteria: Invitae Variant Classification Sherloc (09022015). Collection method: clinical testing. Allele origin: germline.

MGZ Medical Genetics Center
Classification: Uncertain significance for Epilepsy, juvenile absence, susceptibility to, 1. Last evaluated: 2021-08-19. Review status: criteria provided, single submitter. Criteria: ACMG Guidelines, 2015. Collection method: clinical testing. Allele origin: germline. Affected: yes. Observed: 1 variant allele.
Comment: ACMG criteria applied: PM2_SUP, BP4

GeneDx
Classification: Uncertain significance. Last evaluated: 2013-05-07. Review status: criteria provided, single submitter. Criteria: GeneDx Variant Classification (06012015). Collection method: clinical testing. Allele origin: germline. Affected: yes.
Comment: p.Arg353Gln (CGG>CAG): c.1058 G>A in exon 6 of the EFHC1 gene (NM_018100.3). The Arg353Gln missense change in the EFHC1 gene has not been published as a mutation, nor has it been reported as a benign polymorphism to our knowledge. It was not observed in approximately 6,500 individuals of European and African American ancestry in the NHLBI Exome Sequencing Project, indicating it is not a common benign variant in these populations. The amino acid substitution is non-conservative as a positively charged, Arginine residue is replaced by an uncharged, Glutamine residue. Arg353Gln alters a poorly conserved position in the second DM10 domain of the EFHC1 domain and multiple in-silico algorithms predict it may be non-pathogenic. However, another missense mutation at the same codon (Arg353Trp) has been published in association with juvenile myoclonic epilepsy (Annesi, et al., 2007). Therefore, based on the currently available information, it is unclear whether Arg353Gln is a disease-causing mutation or a rare benign variant. The variant is found in EPILEPSY panel(s).

PreventionGenetics, part of Exact Sciences
Classification: Likely benign for EFHC1-related condition. Last evaluated: 2020-06-22. Review status: no assertion criteria provided. Collection method: clinical testing. Allele origin: germline. Not counted in ClinVar's aggregate classification.
Comment: This variant is classified as likely benign based on ACMG/AMP sequence variant interpretation guidelines (Richards et al. 2015 PMID: 25741868, with internal and published modifications).